The following is an entry in ClinVar:

NM_000264.5(PTCH1):c.1678T>A (p.Phe560Ile)

Gene: PTCH1 (patched 1; minus strand). Cytogenetic location: 9q22.32.
Variant type: single nucleotide variant.
Coding change: c.1678T>A on transcript NM_000264.5 (MANE Select); coding-DNA position 1678, T replaced by A.
Protein change: p.Phe560Ile; replaces phenylalanine 560 with isoleucine.
Molecular consequence: missense variant. On other transcripts: non-coding transcript variant (1).
Genome position (GRCh38, 1-based): chr9:95,476,084, A>T on the plus strand (T>A on the coding strand, the complement: PTCH1 is on the minus strand). VCF-style: chr9-95476084-A-T. GRCh37 (hg19) VCF-style: chr9-98238366-A-T.
Other names: c.1480T>A, p.Phe494Ile (NM_001083602.3); c.1675T>A, p.Phe559Ile (NM_001083603.3); c.1225T>A, p.Phe409Ile (NM_001083604.3, NM_001083605.3, NM_001083606.3 and 1 more transcripts); c.1522T>A, p.Phe508Ile (NM_001354918.2); short protein forms F508I, F409I, F494I, F559I, F560I.
Identifiers: ClinVar variation 1777839 (VCV001777839.2), dbSNP rs2118252684, ClinGen allele CA374117975.

ClinVar aggregate classification (germline): Uncertain significance (1 of 4 stars; one submission).

Conditions:
Hereditary cancer-predisposing syndrome. Also called: Neoplastic Syndromes, Hereditary; Tumor predisposition; Hereditary Cancer Syndrome; Hereditary neoplastic syndrome. Identifiers: Orphanet 140162, MedGen C0027672, MeSH D009386, MONDO:0015356.

Submission:

Ambry Genetics
Classification: Uncertain significance for Hereditary cancer-predisposing syndrome. Last evaluated: 2022-07-11. Review status: criteria provided, single submitter. Criteria: Ambry Variant Classification Scheme 2023. Collection method: clinical testing. Allele origin: germline.
Comment: The p.F560I variant (also known as c.1678T>A), located in coding exon 12 of the PTCH1 gene, results from a T to A substitution at nucleotide position 1678. The phenylalanine at codon 560 is replaced by isoleucine, an amino acid with highly similar properties. This amino acid position is conserved. In addition, this alteration is predicted to be deleterious by in silico analysis. Since supporting evidence is limited at this time, the clinical significance of this alteration remains unclear.